The following is an entry in ClinVar:

ClinVar aggregate classification (germline): Uncertain significance (1 of 4 stars; one submission).

Submission:

GeneDx
Classification: Uncertain significance. Last evaluated: 2023-12-18. Review status: criteria provided, single submitter. Criteria: GeneDx Variant Classification Process June 2021. Collection method: clinical testing. Allele origin: germline. Affected: yes.
Comment: Not observed at significant frequency in large population cohorts (gnomAD); In silico analysis supports that this missense variant has a deleterious effect on protein structure/function; Has not been previously published as pathogenic or benign to our knowledge

NM_007325.5(GRIA3):c.761A>T (p.Asp254Val)

Gene: GRIA3 (glutamate ionotropic receptor AMPA type subunit 3; plus strand). Cytogenetic location: Xq25.
Variant type: single nucleotide variant.
Coding change: c.761A>T on transcript NM_007325.5 (MANE Select); coding-DNA position 761, A replaced by T.
Protein change: p.Asp254Val; replaces aspartic acid 254 with valine.
Molecular consequence: missense variant.
Genome position (GRCh38, 1-based): chrX:123,394,978, A>T. VCF-style: chrX-123394978-A-T. GRCh37 (hg19) VCF-style: chrX-122528829-A-T.
Other names: c.761A>T, p.Asp254Val (NM_000828.5); short protein forms D254V.
Identifiers: ClinVar variation 3365699 (VCV003365699.1).
Genomic context (GRCh38, chrX:123,394,978, plus strand): 5'-GTAAGAACATACAACTTCCCACAATCATGATCCTTTCAATGTCTTTCCAGGGTTTTACTG[A>T]TATTTTACTGGAAAGAGTCATGCATGGGGGAGCCAACATTACAGGTTTCCAGATTGTCAA-3'
Protein context (NP_015564.5, residues 244-264): HYMLANLGFT[Asp254Val]ILLERVMHGG